The following is an entry in ClinVar:

NM_000069.3(CACNA1S):c.993T>C (p.Gly331=)

Gene: CACNA1S (calcium voltage-gated channel subunit alpha1 S; minus strand). Cytogenetic location: 1q32.1.
Variant type: single nucleotide variant.
Coding change: c.993T>C on transcript NM_000069.3 (MANE Select); coding-DNA position 993, T replaced by C.
Protein change: p.Gly331=; no amino-acid change (glycine 331 retained).
Molecular consequence: synonymous variant.
Genome position (GRCh38, 1-based): chr1:201,087,837, A>G on the plus strand (T>C on the coding strand, the complement: CACNA1S is on the minus strand). VCF-style: chr1-201087837-A-G. GRCh37 (hg19) VCF-style: chr1-201056965-A-G.
Identifiers: ClinVar variation 3072259 (VCV003072259.1), dbSNP rs2464608063, ClinGen allele CA422693748.

ClinVar aggregate classification (germline): Likely benign (1 of 4 stars; one submission).

Conditions:
Malignant hyperthermia, susceptibility to, 5 (MHS5). Also called: CACNA1S-Related Malignant Hyperthermia Susceptibility. Identifiers: Orphanet 423, MedGen C1866077, MONDO:0011163, OMIM 601887.

Submission:

All of Us Research Program, National Institutes of Health
Classification: Likely benign for Malignant hyperthermia, susceptibility to, 5. Last evaluated: 2023-06-26. Review status: criteria provided, single submitter. Criteria: ACMG Guidelines, 2015. Collection method: clinical testing. Allele origin: germline. Inheritance: Autosomal dominant inheritance. Observed: 1 variant allele, 1 heterozygote.
Comment: This study involves interpretation of variants in research participants for the purpose of population health screening. Participant phenotype was not available at the time of variant classification. Additional details can be found in publication PMID: 35346344, PMCID: PMC8962531